The following is an entry in ClinVar:

ClinVar aggregate classification (germline): Conflicting classifications of pathogenicity. Review status: criteria provided, conflicting classifications (1 of 4 stars). 3 submissions from 3 submitters: Likely pathogenic (2); Uncertain significance (1). Last evaluated 2024-05-20.

Conditions:
Hereditary cancer-predisposing syndrome. Also called: Hereditary Cancer Syndrome; Neoplastic Syndromes, Hereditary; Hereditary neoplastic syndrome; Tumor predisposition. Identifiers: Orphanet 140162, MedGen C0027672, MeSH D009386, MONDO:0015356.
Retinoblastoma (RB1). Also called: RETINOBLASTOMA, SOMATIC. Identifiers: Orphanet 790, MedGen C0035335, MeSH D012175, MONDO:0008380, OMIM 180200, HP:0009919. Disease mechanism: loss of function. Inheritance: Both sporadic and heritable forms are tested..

Submissions (3):

Genetic Diagnostic Laboratory, University of Pennsylvania School of Medicine
Classification: Likely pathogenic for Retinoblastoma. Last evaluated: 2024-05-20. Review status: criteria provided, single submitter. Criteria: ACMG Guidelines, 2015. Collection method: clinical testing. Allele origin: germline. Affected: yes. Observed: 1 variant allele.
Comment: Case and Pedigree Information: BILATERAL CASES:0, UNILATERAL CASES:1, TOTAL CASES:1, PEDIGREES:1. ACMG Codes Applied:PM2, PP3

Labcorp Genetics (formerly Invitae), Labcorp
Classification: Likely pathogenic for Retinoblastoma. Last evaluated: 2021-07-21. Review status: criteria provided, single submitter. Criteria: Invitae Variant Classification Sherloc (09022015). Collection method: clinical testing. Allele origin: germline.
Comment: In summary, the currently available evidence indicates that the variant is pathogenic, but additional data are needed to prove that conclusively. Therefore, this variant has been classified as Likely Pathogenic. This variant disrupts the c.718+5G nucleotide in the RB1 gene. Other variant(s) that disrupt this nucleotide have been determined to be pathogenic (PMID: 11668642). This suggests that this nucleotide is clinically significant, and that variants that disrupt this position are likely to be disease-causing. Nucleotide substitutions within the consensus splice site are a relatively common cause of aberrant splicing (PMID: 17576681, 9536098). Studies have shown that this variant results in skipping of exon 7, but is expected to preserve the integrity of the reading-frame (Invitae). ClinVar contains an entry for this variant (Variation ID: 428666). This variant has been observed in individual(s) with unilateral retinoblastoma as well as in unaffected related individuals. (Invitae). This variant is not present in population databases (ExAC no frequency). This sequence change falls in intron 7 of the RB1 gene. It does not directly change the encoded amino acid sequence of the RB1 protein. RNA analysis indicates that this variant induces altered splicing and likely results in a shortened protein product.

Ambry Genetics
Classification: Uncertain significance for Hereditary cancer-predisposing syndrome. Last evaluated: 2016-03-29. Review status: criteria provided, single submitter. Criteria: Ambry Variant Classification Scheme 2023. Collection method: clinical testing. Allele origin: germline.
Comment: The c.718+5G>T intronic variant results from a G to T substitution 5 nucleotides after coding exon 7 in the RB1 gene. This nucleotide position is highly conserved in available vertebrate species. In addition, this alteration is predicted to decrease the efficiency of the native splice donor site by the BDGP and ESEfinder in silico models; however experimental evidence is not currently available. This variant was not reported in population based cohorts in the following databases: Database of Single Nucleotide Polymorphisms (dbSNP), NHLBI Exome Sequencing Project (ESP), and 1000 Genomes Project. In the ESP, this variant was not observed in 6501 samples (13002 alleles) with coverage of 6501 at this position. Since supporting evidence is limited at this time, the clinical significance of this variant remains unclear.

Literature cited by the submitters: PubMed 11668642 (cited by Labcorp Genetics (formerly Invitae), Labcorp and Ambry Genetics); PubMed 17576681 (cited by Labcorp Genetics (formerly Invitae), Labcorp); PubMed 9536098 (cited by Labcorp Genetics (formerly Invitae), Labcorp).

NM_000321.3(RB1):c.718+5G>T

Gene: RB1 (RB transcriptional corepressor 1; plus strand). Cytogenetic location: 13q14.2.
Variant type: single nucleotide variant.
Coding change: c.718+5G>T on transcript NM_000321.3 (MANE Select); 5 bases into the intron after coding-DNA position 718, G replaced by T.
Molecular consequence: intron variant.
Genome position (GRCh38, 1-based): chr13:48,360,132, G>T. VCF-style: chr13-48360132-G-T. GRCh37 (hg19) VCF-style: chr13-48934268-G-T.
Identifiers: ClinVar variation 428666 (VCV000428666.14), dbSNP rs1131690848, ClinGen allele CA645369535.
Genomic context (GRCh38, chr13:48,360,132, plus strand): 5'-TGTCCTTGACTATTTTATTAAACTCTCACCTCCCATGTTGCTCAAAGAACCATATAGTAA[G>T]TATTTAATTTATGCCCCTTTTACTTTCTCATTCAGCAGTTGCTTATTGAATGTCTAGTGG-3'